The following is an entry in ClinVar:

ClinVar aggregate classification (germline): Uncertain significance. Review status: criteria provided, multiple submitters, no conflicts (2 of 4 stars). 2 submissions from 2 submitters: Uncertain significance (2). Last evaluated 2026-06-27.

Conditions:
TTN-related disorder. Also called: TTN-related condition; TTN-related disease; TTN-related disorders.

Allele frequency attached by ClinVar (database versions not stated): gnomAD 0.00001; gnomAD exomes 0.00001; ExAC 0.00002; TOPMed 0.00002; ESP Exome Variant Server 0.00008.
gnomAD v4.1: 19 of 1,613,516 alleles (0.0012%); highest among the groups gnomAD compares: Middle Eastern, 0.016%; no homozygotes.

Submissions (2):

PreventionGenetics, part of Exact Sciences
Classification: Uncertain significance for TTN-related condition. Last evaluated: 2026-06-27. Review status: criteria provided, single submitter. Criteria: ACMG Guidelines, 2015. Collection method: clinical testing. Allele origin: germline.
Comment: The TTN c.18770A>G variant is predicted to result in the amino acid substitution p.His6257Arg. To our knowledge, this variant has not been reported in the literature. This variant is reported in 0.0033% of alleles in individuals of South Asian descent in gnomAD. At this time, the clinical significance of this variant is uncertain due to the absence of conclusive functional and genetic evidence.

GeneDx
Classification: Uncertain significance. Last evaluated: 2021-07-28. Review status: criteria provided, single submitter. Criteria: GeneDx Variant Classification Process June 2021. Collection method: clinical testing. Allele origin: germline. Affected: yes.
Comment: Has not been previously published as pathogenic or benign to our knowledge; Not observed at significant frequency in large population cohorts (Lek et al., 2016); Missense variant in a gene in which most reported pathogenic variants are truncating/loss-of-function

NM_001267550.2(TTN):c.18770A>G (p.His6257Arg)

Genes: TTN (titin; minus strand), LOC126806430 (BRD4-independent group 4 enhancer GRCh37_chr2:179593794-179594993; plus strand). Cytogenetic location: 2q31.2.
Variant type: single nucleotide variant.
Coding change: c.18770A>G on transcript NM_001267550.2 (MANE Select); coding-DNA position 18770, A replaced by G.
Protein change: p.His6257Arg; replaces histidine 6257 with arginine.
Molecular consequence: missense variant. On other transcripts: intron variant (3).
Genome position (GRCh38, 1-based): chr2:178,729,386, T>C on the plus strand (A>G on the coding strand, the complement: TTN is on the minus strand). VCF-style: chr2-178729386-T-C. GRCh37 (hg19) VCF-style: chr2-179594113-T-C.
Other names: p.H5940R:CAT>CGT; c.17819A>G, p.His5940Arg (NM_001256850.1); c.15038A>G, p.His5013Arg (NM_133378.4); c.13282+8696A>G (NM_003319.4); c.13858+8696A>G (NM_133437.4); c.13657+8696A>G (NM_133432.3); short protein forms H5940R, H6257R, H5013R.
Identifiers: ClinVar variation 203273 (VCV000203273.3), dbSNP rs371299041, ClinGen allele CA311883.